The following is an entry in ClinVar:

NM_002439.5(MSH3):c.238-3T>C

Gene: MSH3 (mutS homolog 3; plus strand). Cytogenetic location: 5q14.1.
Variant type: single nucleotide variant.
Coding change: c.238-3T>C on transcript NM_002439.5 (MANE Select); 3 bases into the intron before coding-DNA position 238, T replaced by C.
Molecular consequence: intron variant.
Genome position (GRCh38, 1-based): chr5:80,656,408, T>C. VCF-style: chr5-80656408-T-C. GRCh37 (hg19) VCF-style: chr5-79952227-T-C.
Identifiers: ClinVar variation 656666 (VCV000656666.15), dbSNP rs369066480, ClinGen allele CA3327549.

ClinVar aggregate classification (germline): Conflicting classifications of pathogenicity. Review status: criteria provided, conflicting classifications (1 of 4 stars). 4 submissions from 4 submitters: Uncertain significance (3); Likely benign (1). Last evaluated 2025-12-30.

Conditions:
Hereditary cancer-predisposing syndrome. Also called: Hereditary neoplastic syndrome; Tumor predisposition; Neoplastic Syndromes, Hereditary; Hereditary Cancer Syndrome. Identifiers: Orphanet 140162, MedGen C0027672, MeSH D009386, MONDO:0015356.

Allele frequency attached by ClinVar (database versions not stated): gnomAD 0.00003 and 0.00002; TOPMed 0.00003; gnomAD exomes 0.00002 and 0.00004; 1000 Genomes Project 0.00020; ExAC 0.00001; ESP Exome Variant Server 0.00008; 1000 Genomes Project 30x 0.00016.
gnomAD v4.1: 68 of 1,614,002 alleles (0.0042%); highest among the groups gnomAD compares: Non-Finnish European, 0.0053%; no homozygotes.

Submissions (4):

Labcorp Genetics (formerly Invitae), Labcorp
Classification: Likely benign. Last evaluated: 2025-12-30. Review status: criteria provided, single submitter. Criteria: Invitae Variant Classification Sherloc (09022015). Collection method: clinical testing. Allele origin: germline.

Ambry Genetics
Classification: Uncertain significance for Hereditary cancer-predisposing syndrome. Last evaluated: 2025-12-03. Review status: criteria provided, single submitter. Criteria: Ambry Variant Classification Scheme 2023. Collection method: clinical testing. Allele origin: germline.
Comment: The c.238-3T>C intronic variant results from a T to C substitution 3 nucleotides upstream from coding exon 2 in the MSH3 gene. This nucleotide position is not well conserved in available vertebrate species. In silico splice site analysis predicts that this alteration will not have any significant effect on splicing. Based on the available evidence, the clinical significance of this variant remains unclear.

Quest Diagnostics Nichols Institute San Juan Capistrano
Classification: Uncertain significance. Last evaluated: 2025-07-28. Review status: criteria provided, single submitter. Criteria: Quest Diagnostics criteria. Collection method: clinical testing. Allele origin: unknown.
Comment: The MSH3 c.238-3T>C variant has not been reported in individuals with MSH3-related conditions in the published literature. The frequency of this variant in the general population (Genome Aggregation Database) is uninformative in the assessment of its pathogenicity. Analysis of this variant using software algorithms for the prediction of the effect of nucleotide changes on splicing yielded predictions that this variant does not affect MSH3 mRNA splicing. Based on the available information, we are unable to determine the clinical significance of this variant.

Sema4
Classification: Uncertain significance for Hereditary cancer-predisposing syndrome. Last evaluated: 2021-12-22. Review status: criteria provided, single submitter. Criteria: Sema4 Curation Guidelines. Collection method: curation. Allele origin: germline.
Comment: The MSH3 c.238-3T>C variant has not been reported in the literature to our knowledge. It was observed in 2/24970 chromosomes of the African/African American (AFR) subpopulation in the large and broad cohorts of the Genome Aggregation Database (PMID: 32461654). This variant has been reported in ClinVar (Variation ID 656666). Algorithms developed to predict the effect of sequence changes on RNA splicing do not suggest negative effect, though these predictions have not been confirmed by transcriptional studies. The evidence is insufficient to meet ACMG/AMP criteria for classifying the variant as benign or pathogenic. Thus, the clinical significance of this variant is currently uncertain.